The following is an entry in ClinVar:

ClinVar aggregate classification (germline): Conflicting classifications of pathogenicity. Review status: criteria provided, conflicting classifications (1 of 4 stars). 4 submissions from 4 submitters: Uncertain significance (1); Benign (1); Likely benign (2). Last evaluated 2026-01-19.

Conditions:
TCTN3-related disorder. Also called: TCTN3-related condition.
Joubert syndrome 18 (JBTS18). Identifiers: Orphanet 2754, MedGen C3553758, MONDO:0013896, OMIM 614815.
Orofacial-digital syndrome IV (OFD4). Also called: OFD SYNDROME WITH TIBIAL DEFECTS; OFD SYNDROME, BARAITSER-BURN TYPE; OFDS IV; ORAL-FACIAL-DIGITAL SYNDROME, TYPE IV; BARAITSER-BURN SYNDROME; Orofaciodigital syndrome IV. Identifiers: Orphanet 2753, MedGen C0406727, MONDO:0009794, OMIM 258860.

Allele frequency attached by ClinVar (database versions not stated): ExAC 0.00074; gnomAD below 0.00001 and 0.00012; TOPMed 0.00002; gnomAD exomes 0.00016 and 0.00031; 1000 Genomes Project 0.00040; 1000 Genomes Project 30x 0.00047.
gnomAD v4.1: 236 of 1,551,290 alleles (0.015%); highest among the groups gnomAD compares: South Asian, 0.27%; 2 homozygotes.

Submissions (4):

Labcorp Genetics (formerly Invitae), Labcorp
Classification: Likely benign for Joubert syndrome 18; Orofacial-digital syndrome IV. Last evaluated: 2026-01-19. Review status: criteria provided, single submitter. Criteria: Invitae Variant Classification Sherloc (09022015). Collection method: clinical testing. Allele origin: germline.

PreventionGenetics, part of Exact Sciences
Classification: Likely benign for TCTN3-related condition. Last evaluated: 2025-11-26. Review status: criteria provided, single submitter. Criteria: ACMG Guidelines, 2015. Collection method: clinical testing. Allele origin: germline.
Comment: This variant is classified as likely benign based on ACMG/AMP sequence variant interpretation guidelines (Richards et al. 2015 PMID: 25741868, with internal and published modifications).

Blueprint Genetics
Classification: Benign. Last evaluated: 2024-11-18. Review status: criteria provided, single submitter. Criteria: ACMG Guidelines, 2015. Collection method: clinical testing. Allele origin: germline.

GeneDx
Classification: Uncertain significance. Last evaluated: 2018-07-10. Review status: criteria provided, single submitter. Criteria: GeneDx Variant Classification (06012015). Collection method: clinical testing. Allele origin: germline. Affected: yes.
Comment: The V320A variant in the TCTN3 gene has not been reported previously as a pathogenic variant, nor as a benign variant, to our knowledge. The V320A variant is observed in 46/22820 (0.2%) alleles from individuals of South Asian background, in the ExAC dataset (Lek et al., 2016). The V320A variant is a conservative amino acid substitution, which is not likely to impact secondary protein structure as these residues share similar properties. This substitution occurs at a position where amino acids with similar properties to Valine are tolerated across species. In silico analysis is inconsistent in its predictions as to whether or not the variant is damaging to the protein structure/function. We interpret V320A as a variant of uncertain significance.

NM_015631.6(TCTN3):c.959T>C (p.Val320Ala)

Gene: TCTN3 (tectonic family member 3; minus strand). Cytogenetic location: 10q24.1.
Variant type: single nucleotide variant.
Coding change: c.959T>C on transcript NM_015631.6 (MANE Select); coding-DNA position 959, T replaced by C.
Protein change: p.Val320Ala; replaces valine 320 with alanine.
Molecular consequence: missense variant. On other transcripts: intron variant (1).
Genome position (GRCh38, 1-based): chr10:95,685,566, A>G on the plus strand (T>C on the coding strand, the complement: TCTN3 is on the minus strand). VCF-style: chr10-95685566-A-G. GRCh37 (hg19) VCF-style: chr10-97445323-A-G.
Other names: c.651+929T>C (NM_001143973.2); short protein forms V320A.
Identifiers: ClinVar variation 452751 (VCV000452751.13), dbSNP rs546805063, ClinGen allele CA5621009.